The following is an entry in ClinVar:

ClinVar aggregate classification (germline): Conflicting classifications of pathogenicity. Review status: criteria provided, conflicting classifications (1 of 4 stars). 4 submissions from 4 submitters: Uncertain significance (1); Benign (1); Likely benign (2). Last evaluated 2026-02-01.

Conditions:
Cone dystrophy with supernormal rod response (CDSRR). Also called: CONE DYSTROPHY WITH SUPERNORMAL ROD RESPONSES. Identifiers: Orphanet 209932, MedGen C1835897, MONDO:0012475, OMIM 610356.
KCNV2-related disorder. Also called: KCNV2-related condition.

Allele frequency attached by ClinVar (database versions not stated): 1000 Genomes Project 30x 0.00047; TOPMed 0.00047; 1000 Genomes Project 0.00060; gnomAD 0.00066.
gnomAD v4.1: 306 of 1,612,438 alleles (0.019%); highest among the groups gnomAD compares: Admixed American, 0.45%; 2 homozygotes.

Submissions (4):

Labcorp Genetics (formerly Invitae), Labcorp
Classification: Benign. Last evaluated: 2026-02-01. Review status: criteria provided, single submitter. Criteria: Invitae Variant Classification Sherloc (09022015). Collection method: clinical testing. Allele origin: germline.

PreventionGenetics, part of Exact Sciences
Classification: Likely benign for KCNV2-related condition. Last evaluated: 2025-07-10. Review status: criteria provided, single submitter. Criteria: ACMG Guidelines, 2015. Collection method: clinical testing. Allele origin: germline.
Comment: This variant is classified as likely benign based on ACMG/AMP sequence variant interpretation guidelines (Richards et al. 2015 PMID: 25741868, with internal and published modifications).

Blueprint Genetics
Classification: Likely benign. Last evaluated: 2024-08-27. Review status: criteria provided, single submitter. Criteria: ACMG Guidelines, 2015. Collection method: clinical testing. Allele origin: germline.

Illumina Laboratory Services, Illumina
Classification: Uncertain significance for Cone dystrophy with supernormal rod response. Last evaluated: 2018-01-13. Review status: criteria provided, single submitter. Criteria: ICSL Variant Classification Criteria 13 December 2019. Collection method: clinical testing. Allele origin: germline.

NM_133497.4(KCNV2):c.991G>T (p.Ala331Ser)

Gene: KCNV2 (potassium voltage-gated channel modifier subfamily V member 2; plus strand). Cytogenetic location: 9p24.2.
Variant type: single nucleotide variant.
Coding change: c.991G>T on transcript NM_133497.4 (MANE Select); coding-DNA position 991, G replaced by T.
Protein change: p.Ala331Ser; replaces alanine 331 with serine.
Molecular consequence: missense variant.
Genome position (GRCh38, 1-based): chr9:2,718,730, G>T. VCF-style: chr9-2718730-G-T. GRCh37 (hg19) VCF-style: chr9-2718730-G-T.
Other names: short protein forms A331S.
Identifiers: ClinVar variation 721999 (VCV000721999.15), dbSNP rs545829113, ClinGen allele CA4965715.